The following is an entry in ClinVar:

ClinVar aggregate classification (germline): Benign (0 of 4 stars; one submission).

Conditions:
SLC29A4-related disorder. Also called: SLC29A4-related condition.

Allele frequency attached by ClinVar (database versions not stated): gnomAD exomes 0.00030; ExAC 0.00088; 1000 Genomes Project 30x 0.00250; 1000 Genomes Project 0.00260; ESP Exome Variant Server 0.00261; gnomAD 0.00287; TOPMed 0.00320.
gnomAD v4.1: 887 of 1,612,092 alleles (0.055%); highest among the groups gnomAD compares: African/African-American, 1%; 5 homozygotes.

Submission:

PreventionGenetics, part of Exact Sciences
Classification: Benign for SLC29A4-related condition. Last evaluated: 2019-11-06. Review status: no assertion criteria provided. Collection method: clinical testing. Allele origin: germline.
Comment: This variant is classified as benign based on ACMG/AMP sequence variant interpretation guidelines (Richards et al. 2015 PMID: 25741868, with internal and published modifications).

NM_153247.4(SLC29A4):c.1041C>T (p.Tyr347=)

Gene: SLC29A4 (solute carrier family 29 member 4; plus strand). Cytogenetic location: 7p22.1.
Variant type: single nucleotide variant.
Coding change: c.1041C>T on transcript NM_153247.4 (MANE Select); coding-DNA position 1041, C replaced by T.
Protein change: p.Tyr347=; no amino-acid change (tyrosine 347 retained).
Molecular consequence: synonymous variant.
Genome position (GRCh38, 1-based): chr7:5,299,259, C>T. VCF-style: chr7-5299259-C-T. GRCh37 (hg19) VCF-style: chr7-5338890-C-T.
Other names: c.1041C>T, p.Tyr347= (NM_001040661.3); c.999C>T, p.Tyr333= (NM_001300847.3).
Identifiers: ClinVar variation 3045159 (VCV003045159.2), dbSNP rs141970112, ClinGen allele CA4142811.